The following is an entry in ClinVar:

ClinVar aggregate classification (germline): Uncertain significance (1 of 4 stars; one submission).

Conditions:
Psoriasis 2. Identifiers: MedGen C1864497, MONDO:0011269, OMIM 602723.
Pityriasis rubra pilaris (PRP). Also called: Pityriasis rubra pilaris--familial type. Identifiers: Orphanet 2897, MedGen C0032027, MONDO:0100017, OMIM 173200, MONDO:0008251.

Allele frequency attached by ClinVar (database versions not stated): ExAC 0.00001; gnomAD 0.00001; gnomAD exomes 0.00001; TOPMed 0.00001; ESP Exome Variant Server 0.00008.
gnomAD v4.1: 12 of 1,612,230 alleles (0.00074%); highest among the groups gnomAD compares: Non-Finnish European, 0.001%; no homozygotes.

Submission:

Labcorp Genetics (formerly Invitae), Labcorp
Classification: Uncertain significance for Pityriasis rubra pilaris; Psoriasis 2. Last evaluated: 2024-10-07. Review status: criteria provided, single submitter. Criteria: Invitae Variant Classification Sherloc (09022015). Collection method: clinical testing. Allele origin: germline.
Comment: This sequence change creates a premature translational stop signal (p.Gln614*) in the CARD14 gene. It is expected to result in an absent or disrupted protein product. However, the current clinical and genetic evidence is not sufficient to establish whether loss-of-function variants in CARD14 cause disease. This variant is not present in population databases (gnomAD no frequency). This variant has not been reported in the literature in individuals affected with CARD14-related conditions. ClinVar contains an entry for this variant (Variation ID: 1017398). In summary, the available evidence is currently insufficient to determine the role of this variant in disease. Therefore, it has been classified as a Variant of Uncertain Significance.

NM_001366385.1(CARD14):c.1840C>T (p.Gln614Ter)

Gene: CARD14 (caspase recruitment domain family member 14; plus strand). Cytogenetic location: 17q25.3.
Variant type: single nucleotide variant.
Coding change: c.1840C>T on transcript NM_001366385.1 (MANE Select); coding-DNA position 1840, C replaced by T.
Protein change: p.Gln614Ter; replaces glutamine 614 with a stop codon.
Molecular consequence: nonsense. On other transcripts: non-coding transcript variant (1).
Genome position (GRCh38, 1-based): chr17:80,198,580, C>T. VCF-style: chr17-80198580-C-T. GRCh37 (hg19) VCF-style: chr17-78172379-C-T.
Other names: c.1840C>T, p.Gln614Ter (NM_001257970.1, NM_024110.4); c.1129C>T, p.Gln377Ter (NM_052819.3); short protein forms Q377*, Q614*.
Identifiers: ClinVar variation 1017398 (VCV001017398.7), dbSNP rs374763410, ClinGen allele CA8817014.